The following is an entry in ClinVar:

NM_022167.4(XYLT2):c.1004C>T (p.Thr335Ile)

Gene: XYLT2 (xylosyltransferase 2; plus strand). Cytogenetic location: 17q21.33.
Variant type: single nucleotide variant.
Coding change: c.1004C>T on transcript NM_022167.4 (MANE Select); coding-DNA position 1004, C replaced by T.
Protein change: p.Thr335Ile; replaces threonine 335 with isoleucine.
Molecular consequence: missense variant.
Genome position (GRCh38, 1-based): chr17:50,355,053, C>T. VCF-style: chr17-50355053-C-T. GRCh37 (hg19) VCF-style: chr17-48432414-C-T.
Other names: short protein forms T335I.
Identifiers: ClinVar variation 1967180 (VCV001967180.2), dbSNP rs1238032149, ClinGen allele CA400202846.

ClinVar aggregate classification (germline): Uncertain significance (1 of 4 stars; one submission).

Allele frequency attached by ClinVar (database versions not stated): TOPMed 0.00001; gnomAD exomes below 0.00001.
gnomAD v4.1: 1 of 1,530,396 alleles (0.000065%); highest among the groups gnomAD compares: South Asian, 0.0013%; no homozygotes.

Submission:

Labcorp Genetics (formerly Invitae), Labcorp
Classification: Uncertain significance. Last evaluated: 2022-06-22. Review status: criteria provided, single submitter. Criteria: Invitae Variant Classification Sherloc (09022015). Collection method: clinical testing. Allele origin: germline.
Comment: This sequence change replaces threonine, which is neutral and polar, with isoleucine, which is neutral and non-polar, at codon 335 of the XYLT2 protein (p.Thr335Ile). This variant is not present in population databases (gnomAD no frequency). This variant has not been reported in the literature in individuals affected with XYLT2-related conditions. Algorithms developed to predict the effect of missense changes on protein structure and function are either unavailable or do not agree on the potential impact of this missense change (SIFT: "Tolerated"; PolyPhen-2: "Probably Damaging"; Align-GVGD: "Class C0"). In summary, the available evidence is currently insufficient to determine the role of this variant in disease. Therefore, it has been classified as a Variant of Uncertain Significance.